The following is an entry in ClinVar:

NM_000969.5(RPL5):c.132C>G (p.Tyr44Ter)

Genes: DIPK1A (divergent protein kinase domain 1A; minus strand), RPL5 (ribosomal protein L5; plus strand). Cytogenetic location: 1p22.1.
Variant type: single nucleotide variant.
Coding change: c.132C>G on transcript NM_000969.5 (MANE Select); coding-DNA position 132, C replaced by G.
Protein change: p.Tyr44Ter; replaces tyrosine 44 with a stop codon.
Molecular consequence: nonsense. On other transcripts: non-coding transcript variant (1), intron variant (1).
Genome position (GRCh38, 1-based): chr1:92,833,603, C>G. VCF-style: chr1-92833603-C-G. GRCh37 (hg19) VCF-style: chr1-93299160-C-G.
Other names: c.475-569G>C (NM_001252273.2); short protein forms Y44*.
Identifiers: ClinVar variation 411871 (VCV000411871.9), dbSNP rs1060503527, ClinGen allele CA16610155.
Genomic context (GRCh38, chr1:92,833,603, plus strand): 5'-AGAGGGTAAAACTGATTATTATGCTCGGAAACGCTTGGTGATACAAGATAAAAATAAATA[C>G]AACACACCCAAATACAGGATGATAGTTCGTGTGACAAACAGAGATATCATTTGTCAGGTA-3'

ClinVar aggregate classification (germline): Pathogenic (1 of 4 stars; one submission).

Conditions:
Diamond-Blackfan anemia. Also called: Blackfan Diamond syndrome; Aregenerative anemia chronic congenital; Red cell aplasia, pure hereditary; Congenital hypoplastic anemia; Aase syndrome. Identifiers: Orphanet 124, MedGen C1260899, MeSH D029503, MONDO:0015253, HP:0004810.

Submission:

Labcorp Genetics (formerly Invitae), Labcorp
Classification: Pathogenic for Diamond-Blackfan anemia. Last evaluated: 2019-11-23. Review status: criteria provided, single submitter. Criteria: Invitae Variant Classification Sherloc (09022015). Collection method: clinical testing. Allele origin: germline.
Comment: For these reasons, this variant has been classified as Pathogenic. Loss-of-function variants in RPL5 are known to be pathogenic (PMID: 19061985, 19773262). This variant has not been reported in the literature in individuals with RPL5-related conditions. ClinVar contains an entry for this variant (Variation ID: 411871). This variant is not present in population databases (ExAC no frequency). This sequence change creates a premature translational stop signal (p.Tyr44*) in the RPL5 gene. It is expected to result in an absent or disrupted protein product.

Literature cited by the submitters: PubMed 19061985; PubMed 19773262.